The following is an entry in ClinVar:

NM_001129.5(AEBP1):c.-4G>T

Gene: AEBP1 (AE binding protein 1; plus strand). Cytogenetic location: 7p13.
Variant type: single nucleotide variant.
Coding change: c.-4G>T on transcript NM_001129.5 (MANE Select); 4 bases upstream of the start codon, G replaced by T.
Molecular consequence: 5 prime UTR variant.
Genome position (GRCh38, 1-based): chr7:44,104,662, G>T. VCF-style: chr7-44104662-G-T. GRCh37 (hg19) VCF-style: chr7-44144261-G-T.
Identifiers: ClinVar variation 3352379 (VCV003352379.4).

ClinVar aggregate classification (germline): Conflicting classifications of pathogenicity. Review status: criteria provided, conflicting classifications (1 of 4 stars). 3 submissions from 3 submitters: Uncertain significance (1); Likely benign (1). 1 of the submissions does not count toward it. Last evaluated 2026-05-05.

Conditions:
AEBP1-related disorder. Also called: AEBP1-related condition.

gnomAD v4.1: 45 of 1,471,750 alleles (0.0031%); highest among the groups gnomAD compares: Admixed American, 0.019%; no homozygotes.

Submissions (3):

Women's Health and Genetics/Laboratory Corporation of America, LabCorp
Classification: Uncertain significance. Last evaluated: 2026-05-05. Review status: criteria provided, single submitter. Criteria: LabCorp Variant Classification Summary - May 2015. Collection method: clinical testing. Allele origin: germline.
Comment: Variant summary: AEBP1 c.-4G>T is located in the untranslated mRNA region upstream of the initiation codon. The variant allele was found at a frequency of 3.3e-05 in 89944 control chromosomes. The available data on variant occurrences in the general population are insufficient to allow any conclusion about variant significance. To our knowledge, no occurrence of c.-4G>T in individuals affected with AEBP1-related conditions and no experimental evidence demonstrating its impact on protein function have been reported. ClinVar contains an entry for this variant (Variation ID: 3352379). Based on the evidence outlined above, the variant was classified as uncertain significance.

Mayo Clinic Laboratories, Mayo Clinic
Classification: Likely benign. Last evaluated: 2025-05-12. Review status: criteria provided, single submitter. Criteria: ACMG Guidelines, 2015. Collection method: clinical testing. Allele origin: germline. Observed: 1 variant allele.
Comment: BP4, BP7

PreventionGenetics, part of Exact Sciences
Classification: Likely benign for AEBP1-related condition. Last evaluated: 2024-07-31. Review status: no assertion criteria provided. Collection method: clinical testing. Allele origin: germline. Not counted in ClinVar's aggregate classification.
Comment: This variant is classified as likely benign based on ACMG/AMP sequence variant interpretation guidelines (Richards et al. 2015 PMID: 25741868, with internal and published modifications).